The following is an entry in ClinVar:

ClinVar aggregate classification (germline): Pathogenic. Review status: reviewed by expert panel (3 of 4 stars). 16 submissions from 14 submitters: Pathogenic (1). 15 of the submissions do not count toward it. Last evaluated 2023-04-25.

Conditions:
MITOCHONDRIAL COMPLEX I DEFICIENCY, MITOCHONDRIAL TYPE 3.
Primary Mitochondrial Disorders. Identifiers: MedGen CN381104.
Optic atrophy. Identifiers: MedGen C0029124, MONDO:0003608, HP:0000648.
Mitochondrial disease. Also called: Mitochondrial disorder; Mitochondrial disorders. Identifiers: Orphanet 68380, MedGen C0751651, MeSH D028361, MONDO:0044970.
Leigh syndrome (NULS). Also called: LEIGH SYNDROME, NUCLEAR; Leigh Disease; Subacute necrotizing encephalopathy; Necrotizing encephalopathy infantile subacute of Leigh; Leigh's necrotizing encephalopathy; Leigh's disease. Identifiers: Orphanet 506, MedGen C2931891, MONDO:0009723, OMIM 256000.
Leber optic atrophy and dystonia. Also called: LHON and dystonia; Dystonia familial, with visual failure and striatal lucencies; Leber's hereditary optic neuropathy with dystonia; MARSDEN SYNDROME. Identifiers: Orphanet 99718, MedGen C1839040, MONDO:0010772, OMIM 500001.
Leber optic atrophy (LHON). Also called: Leber's disease; Optic Atrophy, Hereditary, Leber; Leber's optic atrophy; Leber hereditary optic neuropathy. Identifiers: Orphanet 104, MedGen C0917796, MONDO:0010788, OMIM 535000, HP:0001112.

Submissions 1 to 9 of 16:

ClinGen Mitochondrial Disease Nuclear and Mitochondrial  Variant Curation Expert Panel, ClinGen
Classification: Pathogenic for Mitochondrial disease. Last evaluated: 2023-04-25. Review status: reviewed by expert panel. Criteria: McCormick et al. (Hum Mutat. 2020). Collection method: curation. Allele origin: germline. Inheritance: Mitochondrial inheritance.
Comment: The m.3460G>A (p.A52T) variant in MT-ND1 has been reported in affected individuals from more than 50 kindreds (PS4, PMIDs: 1928099, 1674640, 7629530, 1734726, 1550131, 8496715, 8024249, 8556281, 8571959, 12205655, 11906302, 12807863, 12518276, 16738010, 17122117, 18216301, 18562849, 20232220, 21887510, 25338955, 25053773, 28314831, 30053855, 30591017). While this variant is one of the three most common variants associated with Leber Hereditary Optic Neuropathy (LHON; PMID: 20301353), affected individuals can also have other features. Indeed, several individuals have been reported with multiple sclerosis. Other features have been variably seen in affected individuals including sensorineural hearing loss, auditory neuropathy, epilepsy, migraines, Parkinsonism, dystonia, Leigh syndrome, spinal cord lesions, myoclonus, myopathy, hypertension, high triglycerides, diabetes, and cardiac involvement. Testing excluding separate etiologies for these features has been limited. Heteroplasmy levels in affected individuals ranged from 58% to homoplasmy. Age of onset varied from four years old to 75 years old. This variant segregated with disease in multiple affected members in multiple families and several healthy family members had lower to undetectable levels of the variant (PP1_moderate; PMIDs: 1734726, 8571959, 11906302). There is one reported de novo occurrence to our knowledge (PM6_supporting; PMID: 12518276). This variant is present in the healthy population, which is to be expected given the known reduced penetrance of this variant. The computational predictor APOGEE gives a consensus rating of pathogenic with a score of 0.86 (Min=0, Max=1), which predicts a damaging effect on gene function (PP3). Extensive cybrid studies supported the functional impact of this variant, as do E. coli and mouse studies (PS3_moderate PMIDs: 35383288, 22079202, 15720387, 15883259, 15342361, 10976107). In summary, this variant meets criteria to be classified as pathogenic for primary mitochondrial disease inherited in a mitochondrial manner. This classification was approved by the NICHD/NINDS U24 ClinGen Mitochondrial Disease Variant Curation Expert Panel on April 25, 2023. Mitochondrial DNA-specific ACMG/AMP criteria applied (PMID: 32906214): PS4, PP1_moderate, PM6_supporting, PP3, PS3_moderate.

Variantyx, Inc.
Classification: Pathogenic for Primary mitochondrial disorders. Last evaluated: 2025-11-05. Review status: criteria provided, single submitter. Criteria: Variantyx Assertion Criteria 2022. Collection method: clinical testing. Allele origin: germline. Affected: yes. Not counted in ClinVar's aggregate classification.
Comment: The m.3460G>A, c.154G>A, p.Ala52Thr change is a a nonsynonymous single nucleotide variant in the MT-ND1 gene. Pathogenic variants in this gene have been associated with primary mitochondrial disorders. This variant is one of the three most common causes of Leber hereditary optic neuropathy (LHON). it has been reported in many unrelated affected individuals (PMID: 1928099, 1674640, 7629530, 1734726, 1550131, 8496715, 8024249, 8556281, 8571959, 12205655, 11906302, 12807863, 12518276, 16738010, 17122117, 18216301, 18562849, 20232220, 21887510, 25338955, 25053773, 28314831, 30053855, 30591017) (PS4_Very_Strong). Functional studies support a deleterious effect for this variant (PMID: 34311469, 11854175, 15720387, 15883259, 15342361, 10976107) (PS3) and computational algorithms support a deleterious effect (0.67) (PP3). This variant is absent from control populations (PM2). Other reputable laboratories have reported this variant as pathogenic or likely pathogenic, and this classification has been validated by an expert panel in ClinVar. Based on the current evidence, this variant is classified as pathogenic for primary mitochondrial disorders.

OLLIN Analises Genomicas, OLLIN
Classification: Pathogenic for Leber optic atrophy. Last evaluated: 2025-08-19. Review status: criteria provided, single submitter. Criteria: ACMG Guidelines 2015 PMID 25741868. Collection method: clinical testing. Allele origin: germline. Affected: yes. Observed: 1 variant allele. Not counted in ClinVar's aggregate classification.
Comment: The mitochondrial variant (chrM:3460G>A - ENST00000361390.2 c.154G>A) is reported in ClinVar (VCV000009722.29), in gnomAD v4.1 non-UKB with an allele frequency of 0.0018%, and in the scientific literature, also being identified de novo and segregating with the phenotype, in individuals with Leber optic neuropathy (PMID: 35383288, 22079202, 15720387, 15883259, 15342361, 10976107, 1928099, 1674640, 7629530, 1734726, 1550131, 8496715, 8024249, 8556281, 8571959, 12205655, 11906302, 12807863, 12518276, 16738010, 17122117, 18216301, 18562849, 20232220, 21887510, 25338955, 25053773, 28314831, 30053855, 30591017, 20301353). Functional studies suggest that this variant affects protein function (PMID: 35383288, 22079202, 15720387, 15883259, 15342361, 10976107) and in silico analysis predicts that it has a deleterious effect. According to the currently available evidence and the ClinGen expert panel for this variant (UUID: 56afc669-34e6-4f09-9065-ca12c73f2299), it has been classified as pathogenic (PS3_M, PS4, PM6_P, PP1_M, PP3).

3billion
Classification: Pathogenic for Leber optic atrophy and dystonia. Last evaluated: 2025-02-05. Review status: criteria provided, single submitter. Criteria: ACMG Guidelines, 2015. Collection method: clinical testing. Allele origin: germline. Affected: yes. Not counted in ClinVar's aggregate classification.
Comment: The variant is observed at an extremely low frequency in the gnomAD v4.1.0 dataset (heteroplasmic allele frequency: 0.002%). Predicted Consequence/Location: Mitochondrial variant Functional studies provide moderate evidence of the variant having a damaging effect on the gene or gene product (PMID: 1959619). The same nucleotide change resulting in the same amino acid change has been previously reported as pathogenic/likely pathogenic with strong evidence (3billion dataset/ClinVar ID: VCV000009722). A different missense change at the same codon (p.Ala52Val) has been reported as pathogenic/likely pathogenic with strong evidence (Mitomap PMID: 32355048). Therefore, this variant is classified as Pathogenic according to the recommendation of ACMG/AMP guideline.

New York Genome Center
Classification: Pathogenic for Leber optic atrophy. Last evaluated: 2024-07-12. Review status: criteria provided, single submitter. Criteria: NYGC Assertion Criteria 2020. Collection method: clinical testing. Allele origin: inherited. Observed: 1 variant allele. Not counted in ClinVar's aggregate classification.
Comment: The variant is one of the 3 common variants that cause more than 90% of Leber Hereditary Optic Atrophy [PMID: 35383288, 30143805]. The m.3460G>A variant is observed in 1 heteroplasmic allele (~0.0018% minor allele frequency with 0 homoplasmic) suggesting it is not a common benign variant in the populations represented in those databases. This variant segregated with disease in multiple affected members in multiple families [PMID:8571959,15337616, 1674640] and has been reported de novo in an individual with Leber Hereditary Optic Atrophy [PMID:12518276]. In silico tools (APOGEE) predict this variant to be damaging effect on gene function (score of: 0.86). Cybrids exhibit reduced respiration and complex I enzyme activity, along with elevated apoptosis and oxidative stress. [PMID:15883259,15720387,15342361,10976107]. Based on available evidence this maternally inherited homoplasmic mitochondrial m.3460G>A variant is classified as Pathogenic.

Clinical Genetics Laboratory, Skane University Hospital Lund
Classification: Pathogenic. Last evaluated: 2022-10-04. Review status: criteria provided, single submitter. Criteria: ACMG Guidelines, 2015. Collection method: clinical testing. Allele origin: germline. Affected: yes. Not counted in ClinVar's aggregate classification.

Mendelics
Classification: Pathogenic for Leber optic atrophy. Last evaluated: 2022-05-04. Review status: criteria provided, single submitter. Criteria: Mendelics Assertion Criteria 2019. Collection method: clinical testing. Allele origin: germline. Not counted in ClinVar's aggregate classification.

Institute of Medical Genetics and Applied Genomics, University Hospital Tübingen
Classification: Pathogenic. Last evaluated: 2020-10-23. Review status: criteria provided, single submitter. Criteria: ACMG Guidelines, 2015. Collection method: clinical testing. Allele origin: germline. Inheritance: Mitochondrial inheritance. Affected: yes. Not counted in ClinVar's aggregate classification.

Wong Mito Lab, Molecular and Human Genetics, Baylor College of Medicine
Classification: Pathogenic for Leber optic atrophy. Last evaluated: 2019-10-17. Review status: criteria provided, single submitter. Criteria: Modified ACMG Guidelines (Unpublished). Collection method: clinical testing. Allele origin: germline. Not counted in ClinVar's aggregate classification.
Comment: The NC_012920.1:m.3460G>A (YP_003024026.1:p.Ala52Thr) variant in MTND1 gene is interpretated to be a Pathogenic variant based on the modified ACMG guidelines (unpublished). This variant meets the following evidence codes: PS1, PS3

NC_012920.1(MT-ND1):m.3460G>A

Gene: MT-ND1 (mitochondrially encoded NADH dehydrogenase 1; plus strand).
Variant type: single nucleotide variant.
Genome position: chrM-3460-G-A.
Identifiers: ClinVar variation 9722 (VCV000009722.31), dbSNP rs199476118, ClinGen allele CA120646.